The following is an entry in ClinVar:

ClinVar aggregate classification (germline): Likely benign. Review status: criteria provided, multiple submitters, no conflicts (2 of 4 stars). 2 submissions from 2 submitters: Likely benign (2). Last evaluated 2026-07-07.

Conditions:
Rhabdoid tumor predisposition syndrome 2 (RTPS2). Identifiers: Orphanet 231108, Orphanet 69077, MedGen C2750074, MONDO:0013224, OMIM 613325.

Allele frequency attached by ClinVar (database versions not stated): gnomAD exomes below 0.00001 and 0.00002; TOPMed 0.00001.
gnomAD v4.1: 13 of 1,613,578 alleles (0.00081%); highest among the groups gnomAD compares: East Asian, 0.025%; no homozygotes.

Submissions (2):

Myriad Genetics, Inc.
Classification: Likely benign for Rhabdoid tumor predisposition syndrome 2. Last evaluated: 2026-07-07. Review status: criteria provided, single submitter. Criteria: Myriad Autosomal Dominant, Autosomal Recessive and X-Linked Classification Criteria (2023). Collection method: clinical testing. Allele origin: unknown.
Comment: This variant is considered likely benign. This variant is intronic and is not expected to impact mRNA splicing.

Labcorp Genetics (formerly Invitae), Labcorp
Classification: Likely benign for Rhabdoid tumor predisposition syndrome 2. Last evaluated: 2024-02-23. Review status: criteria provided, single submitter. Criteria: Invitae Variant Classification Sherloc (09022015). Collection method: clinical testing. Allele origin: germline.

NM_003072.5(SMARCA4):c.2438+7A>G

Gene: SMARCA4 (SWI/SNF related BAF chromatin remodeling complex subunit ATPase 4; plus strand). Cytogenetic location: 19p13.2.
Variant type: single nucleotide variant.
Coding change: c.2438+7A>G on transcript NM_003072.5 (MANE Select); 7 bases into the intron after coding-DNA position 2438, A replaced by G.
Molecular consequence: intron variant.
Genome position (GRCh38, 1-based): chr19:11,013,119, A>G. VCF-style: chr19-11013119-A-G. GRCh37 (hg19) VCF-style: chr19-11123795-A-G.
Other names: c.2438+7A>G (NM_001128844.3, NM_001128849.3, NM_001128847.4 and 4 more transcripts).
Identifiers: ClinVar variation 793143 (VCV000793143.9), dbSNP rs1320749769, ClinGen allele CA632115322.